The following is an entry in ClinVar:

ClinVar aggregate classification (germline): Likely benign (1 of 4 stars; one submission).

Submission:

GeneDx
Classification: Likely benign. Last evaluated: 2018-01-02. Review status: criteria provided, single submitter. Criteria: GeneDx Variant Classification (06012015). Collection method: clinical testing. Allele origin: germline. Affected: yes.
Comment: This variant is considered likely benign or benign based on one or more of the following criteria: it is a conservative change, it occurs at a poorly conserved position in the protein, it is predicted to be benign by multiple in silico algorithms, and/or has population frequency not consistent with disease.

NM_021100.5(NFS1):c.98-17G>A

Gene: NFS1 (NFS1 cysteine desulfurase; minus strand). Cytogenetic location: 20q11.22.
Variant type: single nucleotide variant.
Coding change: c.98-17G>A on transcript NM_021100.5 (MANE Select); 17 bases into the intron before coding-DNA position 98, G replaced by A.
Molecular consequence: intron variant.
Genome position (GRCh38, 1-based): chr20:35,698,607, C>T on the plus strand (G>A on the coding strand, the complement: NFS1 is on the minus strand). VCF-style: chr20-35698607-C-T. GRCh37 (hg19) VCF-style: chr20-34286529-C-T.
Other names: c.98-17G>A (NM_001198989.2).
Identifiers: ClinVar variation 513852 (VCV000513852.1), dbSNP rs1490304272, ClinGen allele CA658799357.